The following is an entry in ClinVar:

NM_000038.6(APC):c.2813C>A (p.Thr938Asn)

Gene: APC (APC regulator of Wnt signaling pathway; plus strand). Cytogenetic location: 5q22.2.
Variant type: single nucleotide variant.
Coding change: c.2813C>A on transcript NM_000038.6 (MANE Select); coding-DNA position 2813, C replaced by A.
Protein change: p.Thr938Asn; replaces threonine 938 with asparagine.
Molecular consequence: missense variant. On other transcripts: non-coding transcript variant (2).
Genome position (GRCh38, 1-based): chr5:112,838,407, C>A. VCF-style: chr5-112838407-C-A. GRCh37 (hg19) VCF-style: chr5-112174104-C-A.
Other names: c.2813C>A, p.Thr938Asn (NM_001127510.3, NM_001354895.2, NM_001407450.1); c.2759C>A, p.Thr920Asn (NM_001127511.3); c.2867C>A, p.Thr956Asn (NM_001354896.2, NM_001407447.1, NM_001407448.1 and 1 more transcripts); c.2843C>A, p.Thr948Asn (NM_001354897.2); c.2738C>A, p.Thr913Asn (NM_001354898.2); c.2729C>A, p.Thr910Asn (NM_001354899.2); c.2690C>A, p.Thr897Asn (NM_001354900.2); c.2636C>A, p.Thr879Asn (NM_001354901.2, NM_001407453.1); and 12 more; short protein forms T812N, T837N, T928N, T938N, T847N, T855N, T910N, T913N.
Identifiers: ClinVar variation 3672793 (VCV003672793.3).

ClinVar aggregate classification (germline): Uncertain significance. Review status: criteria provided, multiple submitters, no conflicts (2 of 4 stars). 2 submissions from 2 submitters: Uncertain significance (2). Last evaluated 2025-05-31.

Conditions:
Familial adenomatous polyposis 1 (FAP1). Also called: POLYPOSIS, ADENOMATOUS INTESTINAL; FAMILIAL ADENOMATOUS POLYPOSIS 1, ATTENUATED. Identifiers: MedGen C2713442, MONDO:0021056, OMIM 175100. Disease mechanism: loss of function.
Hereditary cancer-predisposing syndrome. Also called: Neoplastic Syndromes, Hereditary; Tumor predisposition; Hereditary Cancer Syndrome; Hereditary neoplastic syndrome. Identifiers: Orphanet 140162, MedGen C0027672, MeSH D009386, MONDO:0015356.

Submissions (2):

Ambry Genetics
Classification: Uncertain significance for Hereditary cancer-predisposing syndrome. Last evaluated: 2025-05-31. Review status: criteria provided, single submitter. Criteria: Ambry Variant Classification Scheme 2023. Collection method: clinical testing. Allele origin: germline.
Comment: The p.T938N variant (also known as c.2813C>A), located in coding exon 15 of the APC gene, results from a C to A substitution at nucleotide position 2813. The threonine at codon 938 is replaced by asparagine, an amino acid with similar properties. This amino acid position is conserved. In addition, in silico predictors for this gene do not accurately predict pathogenicity. Based on the available evidence, the clinical significance of this variant remains unclear.

Labcorp Genetics (formerly Invitae), Labcorp
Classification: Uncertain significance for Familial adenomatous polyposis 1. Last evaluated: 2024-10-28. Review status: criteria provided, single submitter. Criteria: Invitae Variant Classification Sherloc (09022015). Collection method: clinical testing. Allele origin: germline.
Comment: This sequence change replaces threonine, which is neutral and polar, with asparagine, which is neutral and polar, at codon 938 of the APC protein (p.Thr938Asn). This variant is not present in population databases (gnomAD no frequency). This variant has not been reported in the literature in individuals affected with APC-related conditions. Invitae Evidence Modeling of protein sequence and biophysical properties (such as structural, functional, and spatial information, amino acid conservation, physicochemical variation, residue mobility, and thermodynamic stability) indicates that this missense variant is not expected to disrupt APC protein function with a negative predictive value of 95%. In summary, the available evidence is currently insufficient to determine the role of this variant in disease. Therefore, it has been classified as a Variant of Uncertain Significance.